The following is an entry in ClinVar:

ClinVar aggregate classification (germline): Likely pathogenic (1 of 4 stars; one submission).

Conditions:
Progressive external ophthalmoplegia with mitochondrial DNA deletions, autosomal dominant 3. Also called: PROGRESSIVE EXTERNAL OPHTHALMOPLEGIA, AUTOSOMAL DOMINANT 3. Identifiers: MedGen C1836439, MONDO:0012241, OMIM 609286.

Submission:

Victorian Clinical Genetics Services, Murdoch Childrens Research Institute
Classification: Likely pathogenic for Progressive external ophthalmoplegia with mitochondrial DNA deletions, autosomal dominant 3. Last evaluated: 2025-06-20. Review status: criteria provided, single submitter. Criteria: ACMG Guidelines, 2015. Collection method: clinical testing. Allele origin: germline. Affected: yes.
Comment: This variant is classified as Likely pathogenic. Evidence in support of pathogenic classification: Variant is absent from gnomAD (v2, v3 and v4); This variant has limited previous evidence of pathogenicity in an unrelated individual. This variant has been reported in the literature in a heterozygous individual with progressive external ophthalmoplegia (PMID: 20479361); Another missense variant(s) comparable to the one identified in this case has moderate previous evidence for pathogenicity. p.(Ala460Gly) has been classified as pathogenic by a clinical laboratory in ClinVar, and reported in the literature in a heterozygous individual with progressive external ophthalmoplegia (PMID: 20479361); Missense variant predicted to be damaging by in silico tool(s) or highly conserved with a major amino acid change. Additional information: Variant is predicted to result in a missense amino acid change from alanine to proline; This variant is heterozygous; This gene is associated with both recessive and dominant disease. Mitochondrial DNA depletion syndrome 7 (hepatocerebral type) (MIM#271245) and Perrault syndrome 5 (MIM#616138) are inherited in a recessive manner, whereas progressive external ophthalmoplegia with mitochondrial DNA deletions 3 (MIM#609286) is a dominant condition (OMIM); Segregation evidence for this variant is inconclusive. No published functional evidence has been identified for this variant; Variant is located in the annotated AAA domain (DECIPHER); Dominant negative and loss of function are known mechanisms of disease in this gene and are associated with progressive external ophthalmoplegia with mitochondrial DNA deletions 3 (MIM#609286), mitochondrial DNA depletion syndrome 7 (hepatocerebral type) (MIM#271245) and Perrault syndrome 5 (MIM#616138) (PMID: 18971204).

Literature cited by the submitters: PubMed 18971204; PubMed 20479361.

NM_021830.5(TWNK):c.1378G>C (p.Ala460Pro)

Gene: TWNK (twinkle mtDNA helicase; plus strand). Cytogenetic location: 10q24.31.
Variant type: single nucleotide variant.
Coding change: c.1378G>C on transcript NM_021830.5 (MANE Select); coding-DNA position 1378, G replaced by C.
Protein change: p.Ala460Pro; replaces alanine 460 with proline.
Molecular consequence: missense variant. On other transcripts: non-coding transcript variant (5).
Genome position (GRCh38, 1-based): chr10:100,989,778, G>C. VCF-style: chr10-100989778-G-C. GRCh37 (hg19) VCF-style: chr10-102749535-G-C.
Other names: c.1378G>C, p.Ala460Pro (NM_001163812.2); c.16G>C, p.Ala6Pro (NM_001163813.2, NM_001163814.2, NM_001368275.1); short protein forms A460P, A6P.
Identifiers: ClinVar variation 4531635 (VCV004531635.1).